The following is an entry in ClinVar:

ClinVar aggregate classification (germline): Uncertain significance (1 of 4 stars; one submission).

Conditions:
Cardiovascular phenotype. Identifiers: MedGen CN230736.

gnomAD v4.1: 1 of 1,613,994 alleles (0.000062%); highest among the groups gnomAD compares: African/African-American, 0.0013%; no homozygotes.

Submission:

Ambry Genetics
Classification: Uncertain significance for Cardiovascular phenotype. Last evaluated: 2024-04-18. Review status: criteria provided, single submitter. Criteria: Ambry Variant Classification Scheme 2023. Collection method: clinical testing. Allele origin: germline.
Comment: The p.E2438K variant (also known as c.7312G>A), located in coding exon 8 of the ALMS1 gene, results from a G to A substitution at nucleotide position 7312. The glutamic acid at codon 2438 is replaced by lysine, an amino acid with similar properties. This amino acid position is well conserved in available vertebrate species. In addition, the in silico prediction for this alteration is inconclusive. Based on the available evidence, the clinical significance of this variant remains unclear.

NM_001378454.1(ALMS1):c.7309G>A (p.Glu2437Lys)

Gene: ALMS1 (ALMS1 centrosome and basal body associated protein; plus strand). Cytogenetic location: 2p13.1.
Variant type: single nucleotide variant.
Coding change: c.7309G>A on transcript NM_001378454.1 (MANE Select); coding-DNA position 7309, G replaced by A.
Protein change: p.Glu2437Lys; replaces glutamic acid 2437 with lysine.
Molecular consequence: missense variant.
Genome position (GRCh38, 1-based): chr2:73,453,836, G>A. VCF-style: chr2-73453836-G-A. GRCh37 (hg19) VCF-style: chr2-73680963-G-A.
Other names: c.7312G>A, p.Glu2438Lys (NM_015120.4); short protein forms E2437K, E2438K.
Identifiers: ClinVar variation 3287666 (VCV003287666.1).